The following is an entry in ClinVar:

ClinVar aggregate classification (germline): Uncertain significance. Review status: criteria provided, multiple submitters, no conflicts (2 of 4 stars). 3 submissions from 3 submitters: Uncertain significance (2). 1 of the submissions does not count toward it. Last evaluated 2025-12-11.

Conditions:
Pulmonary fibrosis and/or bone marrow failure, Telomere-related, 3. Also called: PULMONARY FIBROSIS AND/OR BONE MARROW FAILURE SYNDROME, TELOMERE-RELATED, 3. Identifiers: Orphanet 2032, MedGen C4225346, MONDO:0014613, OMIM 616373.
Dyskeratosis congenita, autosomal recessive 5 (DKCB5). Identifiers: MedGen C3554656, MONDO:0014076, OMIM 615190.
Dyskeratosis congenita. Identifiers: Orphanet 1775, MedGen C0265965, MONDO:0015780.

Allele frequency attached by ClinVar (database versions not stated): gnomAD exomes 0.00001 and 0.00002; ExAC 0.00003; gnomAD 0.00003.

Submissions (3):

Labcorp Genetics (formerly Invitae), Labcorp
Classification: Uncertain significance for Dyskeratosis congenita, autosomal recessive 5; Pulmonary fibrosis and/or bone marrow failure, Telomere-related, 3. Last evaluated: 2025-12-11. Review status: criteria provided, single submitter. Criteria: Invitae Variant Classification Sherloc (09022015). Collection method: clinical testing. Allele origin: germline.
Comment: This sequence change replaces arginine, which is basic and polar, with tryptophan, which is neutral and slightly polar, at codon 655 of the RTEL1 protein (p.Arg655Trp). The frequency data for this variant in the population databases is considered unreliable, as metrics indicate poor data quality at this position in the gnomAD database. This variant has not been reported in the literature in individuals affected with RTEL1-related conditions. This variant is also known as c.2035C>T (p.Arg679Trp). ClinVar contains an entry for this variant (Variation ID: 572006). An algorithm developed to predict the effect of missense changes on protein structure and function (PolyPhen-2) suggests that this variant is likely to be disruptive. In summary, the available evidence is currently insufficient to determine the role of this variant in disease. Therefore, it has been classified as a Variant of Uncertain Significance.

Fulgent Genetics
Classification: Uncertain significance for Dyskeratosis congenita, autosomal recessive 5; Pulmonary fibrosis and/or bone marrow failure, Telomere-related, 3. Last evaluated: 2021-08-31. Review status: criteria provided, single submitter. Criteria: ACMG Guidelines, 2015. Collection method: clinical testing. Allele origin: unknown.

Natera, Inc.
Classification: Uncertain significance for Dyskeratosis congenita. Last evaluated: 2019-11-11. Review status: no assertion criteria provided. Collection method: clinical testing. Allele origin: germline. Not counted in ClinVar's aggregate classification.

NM_001283009.2(RTEL1):c.1963C>T (p.Arg655Trp)

Genes: RTEL1-TNFRSF6B (RTEL1-TNFRSF6B readthrough (NMD candidate); plus strand), RTEL1 (regulator of telomere elongation helicase 1; plus strand). Cytogenetic location: 20q13.33.
Variant type: single nucleotide variant.
Coding change: c.1963C>T on transcript NM_001283009.2 (MANE Select); coding-DNA position 1963, C replaced by T.
Protein change: p.Arg655Trp; replaces arginine 655 with tryptophan.
Molecular consequence: missense variant. On other transcripts: non-coding transcript variant (1).
Genome position (GRCh38, 1-based): chr20:63,689,586, C>T. VCF-style: chr20-63689586-C-T. GRCh37 (hg19) VCF-style: chr20-62320939-C-T.
Other names: c.1294C>T, p.Arg432Trp (NM_001283010.1); c.1963C>T, p.Arg655Trp (NM_016434.4); c.2035C>T, p.Arg679Trp (NM_032957.5); short protein forms R655W, R679W, R432W.
Identifiers: ClinVar variation 572006 (VCV000572006.8), dbSNP rs764349649, ClinGen allele CA9965093.